The following is an entry in ClinVar:

ClinVar aggregate classification (germline): Uncertain significance (1 of 4 stars; one submission).

gnomAD v4.1: 25 of 1,594,992 alleles (0.0016%); highest among the groups gnomAD compares: Non-Finnish European, 0.0022%; no homozygotes.

Submission:

Labcorp Genetics (formerly Invitae), Labcorp
Classification: Uncertain significance. Last evaluated: 2026-01-29. Review status: criteria provided, single submitter. Criteria: Invitae Variant Classification Sherloc (09022015). Collection method: clinical testing. Allele origin: germline.
Comment: This sequence change falls in intron 2 of the TSPAN12 gene. It does not directly change the encoded amino acid sequence of the TSPAN12 protein. This variant is not present in population databases (gnomAD no frequency). This variant has not been reported in the literature in individuals affected with TSPAN12-related conditions. Algorithms developed to predict the effect of sequence changes on RNA splicing suggest that this variant may disrupt the consensus splice site. In summary, the available evidence is currently insufficient to determine the role of this variant in disease. Therefore, it has been classified as a Variant of Uncertain Significance.

NM_012338.4(TSPAN12):c.67-15C>G

Gene: TSPAN12 (tetraspanin 12; minus strand). Cytogenetic location: 7q31.31.
Variant type: single nucleotide variant.
Coding change: c.67-15C>G on transcript NM_012338.4 (MANE Select); 15 bases into the intron before coding-DNA position 67, C replaced by G.
Molecular consequence: intron variant.
Genome position (GRCh38, 1-based): chr7:120,840,124, G>C on the plus strand (C>G on the coding strand, the complement: TSPAN12 is on the minus strand). VCF-style: chr7-120840124-G-C. GRCh37 (hg19) VCF-style: chr7-120480178-G-C.
Identifiers: ClinVar variation 4781963 (VCV004781963.1).
Genomic context (GRCh38, chr7:120,840,124, plus strand): 5'-AGTCCCTCATCCAAGCAGAAACTGCCAACACACTGATGGACATTAACTGGGGAGAAAAAA[G>C]TACAAACCGGTTACCAAAGATTTACGTAACATTCACTGCAGGATTAATAATAGGAAAATT-3'